The following is an entry in ClinVar:

ClinVar aggregate classification (germline): Uncertain significance (1 of 4 stars; one submission).

Conditions:
Myopathy, proximal, and ophthalmoplegia (CMYO6). Also called: INCLUSION BODY MYOPATHY 3, AUTOSOMAL DOMINANT; CONGENITAL MYOPATHY 6 WITH OPHTHALMOPLEGIA; MYOPATHY WITH CONGENITAL JOINT CONTRACTURES, OPHTHALMOPLEGIA, AND RIMMED VACUOLES. Identifiers: Orphanet 363677, Orphanet 79091, MedGen C1854106, MONDO:0011577, OMIM 605637.

Submission:

Labcorp Genetics (formerly Invitae), Labcorp
Classification: Uncertain significance for Myopathy, proximal, and ophthalmoplegia. Last evaluated: 2025-07-13. Review status: criteria provided, single submitter. Criteria: Invitae Variant Classification Sherloc (09022015). Collection method: clinical testing. Allele origin: germline.
Comment: This sequence change replaces asparagine, which is neutral and polar, with serine, which is neutral and polar, at codon 1924 of the MYH2 protein (p.Asn1924Ser). This variant is not present in population databases (gnomAD no frequency). This variant has not been reported in the literature in individuals affected with MYH2-related conditions. Invitae Evidence Modeling of protein sequence and biophysical properties (such as structural, functional, and spatial information, amino acid conservation, physicochemical variation, residue mobility, and thermodynamic stability) indicates that this missense variant is not expected to disrupt MYH2 protein function with a negative predictive value of 80%. Algorithms developed to predict the effect of sequence changes on RNA splicing suggest that this variant may create or strengthen a splice site. In summary, the available evidence is currently insufficient to determine the role of this variant in disease. Therefore, it has been classified as a Variant of Uncertain Significance.

NM_017534.6(MYH2):c.5771A>G (p.Asn1924Ser)

Genes: MYH2 (myosin heavy chain 2; minus strand), MYHAS (myosin heavy chain gene cluster antisense RNA; plus strand). Cytogenetic location: 17p13.1.
Variant type: single nucleotide variant.
Coding change: c.5771A>G on transcript NM_017534.6 (MANE Select); coding-DNA position 5771, A replaced by G.
Protein change: p.Asn1924Ser; replaces asparagine 1924 with serine.
Molecular consequence: missense variant.
Genome position (GRCh38, 1-based): chr17:10,521,335, T>C on the plus strand (A>G on the coding strand, the complement: MYH2 is on the minus strand). VCF-style: chr17-10521335-T-C. GRCh37 (hg19) VCF-style: chr17-10424652-T-C.
Other names: c.5771A>G, p.Asn1924Ser (NM_001100112.2); short protein forms N1924S.
Identifiers: ClinVar variation 4741746 (VCV004741746.1).
Genomic context (GRCh38, chr17:10,521,335, plus strand): 5'-CATGATCACTCTTCACTTATGACTTTTGTGTGAACCTCCCGGCTCTTCACCCGCAGTTTG[T>C]TCACCTGGGACTCAGCAATGTCAGCCCGTTCCTCGGCCTCCTCCAGCTCATGCTGGAGCT-3'
Protein context (NP_060004.3, residues 1914-1934): ERADIAESQV[Asn1924Ser]KLRVKSREVH